The following is an entry in ClinVar:

ClinVar aggregate classification (germline): Uncertain significance (1 of 4 stars; one submission).

Submission:

Labcorp Genetics (formerly Invitae), Labcorp
Classification: Uncertain significance. Last evaluated: 2022-07-19. Review status: criteria provided, single submitter. Criteria: Invitae Variant Classification Sherloc (09022015). Collection method: clinical testing. Allele origin: germline.
Comment: This variant is not present in population databases (gnomAD no frequency). This sequence change replaces aspartic acid, which is acidic and polar, with histidine, which is basic and polar, at codon 200 of the BRWD3 protein (p.Asp200His). This variant has not been reported in the literature in individuals affected with BRWD3-related conditions. In summary, the available evidence is currently insufficient to determine the role of this variant in disease. Therefore, it has been classified as a Variant of Uncertain Significance. Advanced modeling of protein sequence and biophysical properties (such as structural, functional, and spatial information, amino acid conservation, physicochemical variation, residue mobility, and thermodynamic stability) performed at Invitae indicates that this missense variant is expected to disrupt BRWD3 protein function.

NM_153252.5(BRWD3):c.598G>C (p.Asp200His)

Gene: BRWD3 (bromodomain and WD repeat domain containing 3; minus strand). Cytogenetic location: Xq21.1.
Variant type: single nucleotide variant.
Coding change: c.598G>C on transcript NM_153252.5 (MANE Select); coding-DNA position 598, G replaced by C.
Protein change: p.Asp200His; replaces aspartic acid 200 with histidine.
Molecular consequence: missense variant.
Genome position (GRCh38, 1-based): chrX:80,744,247, C>G on the plus strand (G>C on the coding strand, the complement: BRWD3 is on the minus strand). VCF-style: chrX-80744247-C-G. GRCh37 (hg19) VCF-style: chrX-79999746-C-G.
Other names: short protein forms D200H.
Identifiers: ClinVar variation 1718684 (VCV001718684.5), dbSNP rs2520539282, ClinGen allele CA413607144.